The following is an entry in ClinVar:

NM_014317.5(PDSS1):c.1069C>T (p.Pro357Ser)

Gene: PDSS1 (decaprenyl diphosphate synthase subunit 1; plus strand). Cytogenetic location: 10p12.1.
Variant type: single nucleotide variant.
Coding change: c.1069C>T on transcript NM_014317.5 (MANE Select); coding-DNA position 1069, C replaced by T.
Protein change: p.Pro357Ser; replaces proline 357 with serine.
Molecular consequence: missense variant.
Genome position (GRCh38, 1-based): chr10:26,742,539, C>T. VCF-style: chr10-26742539-C-T. GRCh37 (hg19) VCF-style: chr10-27031468-C-T.
Other names: c.878C>T, p.Ala293Val (NM_001321978.2); c.559C>T, p.Pro187Ser (NM_001321979.2); short protein forms A293V, P187S, P357S.
Identifiers: ClinVar variation 3390394 (VCV003390394.2).

ClinVar aggregate classification (germline): Uncertain significance. Review status: criteria provided, multiple submitters, no conflicts (2 of 4 stars). 2 submissions from 2 submitters: Uncertain significance (2). Last evaluated 2025-12-15.

Conditions:
Inborn genetic diseases. Identifiers: MedGen C0950123, MeSH D030342.

Submissions (2):

Ambry Genetics
Classification: Uncertain significance for Inborn genetic diseases. Last evaluated: 2025-12-15. Review status: criteria provided, single submitter. Criteria: Ambry Variant Classification Scheme 2023. Collection method: clinical testing. Allele origin: germline.

GeneDx
Classification: Uncertain significance. Last evaluated: 2024-06-14. Review status: criteria provided, single submitter. Criteria: GeneDx Variant Classification Process June 2021. Collection method: clinical testing. Allele origin: germline. Affected: yes.
Comment: Not observed at significant frequency in large population cohorts (gnomAD); In silico analysis supports that this missense variant has a deleterious effect on protein structure/function; Has not been previously published as pathogenic or benign to our knowledge